The following is an entry in ClinVar:

ClinVar aggregate classification (germline): Uncertain significance (1 of 4 stars; one submission).

Conditions:
Fanconi anemia (FA). Also called: Fanconi's anemia. Identifiers: Orphanet 84, MedGen C0015625, MeSH D005199, MONDO:0019391.

Allele frequency attached by ClinVar (database versions not stated): gnomAD exomes 0.00001; ExAC 0.00002.

Submission:

Labcorp Genetics (formerly Invitae), Labcorp
Classification: Uncertain significance for Fanconi anemia. Last evaluated: 2022-07-13. Review status: criteria provided, single submitter. Criteria: Invitae Variant Classification Sherloc (09022015). Collection method: clinical testing. Allele origin: germline.
Comment: This variant is present in population databases (rs774390837, gnomAD 0.002%). This sequence change replaces arginine, which is basic and polar, with glycine, which is neutral and non-polar, at codon 124 of the SLX4 protein (p.Arg124Gly). This variant has not been reported in the literature in individuals affected with SLX4-related conditions. Algorithms developed to predict the effect of missense changes on protein structure and function output the following: SIFT: "Tolerated"; PolyPhen-2: "Benign"; Align-GVGD: "Class C0". The glycine amino acid residue is found in multiple mammalian species, which suggests that this missense change does not adversely affect protein function. In summary, the available evidence is currently insufficient to determine the role of this variant in disease. Therefore, it has been classified as a Variant of Uncertain Significance.

NM_032444.4(SLX4):c.370A>G (p.Arg124Gly)

Gene: SLX4 (SLX4 structure-specific endonuclease subunit; minus strand). Cytogenetic location: 16p13.3.
Variant type: single nucleotide variant.
Coding change: c.370A>G on transcript NM_032444.4 (MANE Select); coding-DNA position 370, A replaced by G.
Protein change: p.Arg124Gly; replaces arginine 124 with glycine.
Molecular consequence: missense variant.
Genome position (GRCh38, 1-based): chr16:3,608,595, T>C on the plus strand (A>G on the coding strand, the complement: SLX4 is on the minus strand). VCF-style: chr16-3608595-T-C. GRCh37 (hg19) VCF-style: chr16-3658596-T-C.
Other names: short protein forms R124G.
Identifiers: ClinVar variation 2156383 (VCV002156383.4), dbSNP rs774390837, ClinGen allele CA7866897.
Genomic context (GRCh38, chr16:3,608,595, plus strand): 5'-GCACACCCCCCTCCCCATTCACAGAGTGGGCCGGTTCACTTGCTTGCCATTTGGTTACCC[T>C]TTGCTTTTTAGTCCTAGGGGCCTGGCTGCCAGACGGAGGTTTCTTCTCTGCAGGGCCTTG-3'
Protein context (NP_115820.2, residues 114-134): GSQAPRTKKQ[Arg124Gly]VTKWQASEPA